The following is an entry in ClinVar:

NM_004336.5(BUB1):c.1372C>T (p.Pro458Ser)

Gene: BUB1 (BUB1 mitotic checkpoint serine/threonine kinase; minus strand). Cytogenetic location: 2q13.
Variant type: single nucleotide variant.
Coding change: c.1372C>T on transcript NM_004336.5 (MANE Select); coding-DNA position 1372, C replaced by T.
Protein change: p.Pro458Ser; replaces proline 458 with serine.
Molecular consequence: missense variant.
Genome position (GRCh38, 1-based): chr2:110,658,647, G>A on the plus strand (C>T on the coding strand, the complement: BUB1 is on the minus strand). VCF-style: chr2-110658647-G-A. GRCh37 (hg19) VCF-style: chr2-111416224-G-A.
Other names: c.1312C>T, p.Pro438Ser (NM_001278616.2); c.1372C>T, p.Pro458Ser (NM_001278617.2); short protein forms P438S, P458S.
Identifiers: ClinVar variation 3223999 (VCV003223999.1), dbSNP rs753231655, ClinGen allele CA1828096.

ClinVar aggregate classification (germline): Uncertain significance (1 of 4 stars; one submission).

Allele frequency attached by ClinVar (database versions not stated): gnomAD exomes below 0.00001; TOPMed below 0.00001; ExAC 0.00001.
gnomAD v4.1: 2 of 1,614,184 alleles (0.00012%); highest among the groups gnomAD compares: Non-Finnish European, 0.00017%; no homozygotes.

Submission:

Ambry Genetics
Classification: Uncertain significance. Last evaluated: 2023-09-21. Review status: criteria provided, single submitter. Criteria: Ambry Variant Classification Scheme 2023. Collection method: clinical testing. Allele origin: germline.
Comment: The p.P458S variant (also known as c.1372C>T), located in coding exon 12 of the BUB1 gene, results from a C to T substitution at nucleotide position 1372. The proline at codon 458 is replaced by serine, an amino acid with similar properties. This amino acid position is conserved. In addition, the in silico prediction for this alteration is inconclusive. Since supporting evidence is limited at this time, the clinical significance of this alteration remains unclear.